The following is an entry in ClinVar:

ClinVar aggregate classification (germline): Uncertain significance (1 of 4 stars; one submission).

Allele frequency attached by ClinVar (database versions not stated): gnomAD exomes below 0.00001.
gnomAD v4.1: 1 of 1,605,220 alleles (0.000062%); highest among the groups gnomAD compares: Non-Finnish European, 0.000085%; no homozygotes.

Submission:

Labcorp Genetics (formerly Invitae), Labcorp
Classification: Uncertain significance. Last evaluated: 2023-12-11. Review status: criteria provided, single submitter. Criteria: Invitae Variant Classification Sherloc (09022015). Collection method: clinical testing. Allele origin: germline.
Comment: This sequence change replaces glutamic acid, which is acidic and polar, with glutamine, which is neutral and polar, at codon 528 of the RFWD3 protein (p.Glu528Gln). This variant is not present in population databases (gnomAD no frequency). This variant has not been reported in the literature in individuals affected with RFWD3-related conditions. An algorithm developed to predict the effect of missense changes on protein structure and function (PolyPhen-2) suggests that this variant is likely to be tolerated. In summary, the available evidence is currently insufficient to determine the role of this variant in disease. Therefore, it has been classified as a Variant of Uncertain Significance.

NM_018124.4(RFWD3):c.1582G>C (p.Glu528Gln)

Gene: RFWD3 (ring finger and WD repeat domain 3; minus strand). Cytogenetic location: 16q23.1.
Variant type: single nucleotide variant.
Coding change: c.1582G>C on transcript NM_018124.4 (MANE Select); coding-DNA position 1582, G replaced by C.
Protein change: p.Glu528Gln; replaces glutamic acid 528 with glutamine.
Molecular consequence: missense variant. On other transcripts: intron variant (1).
Genome position (GRCh38, 1-based): chr16:74,630,953, C>G on the plus strand (G>C on the coding strand, the complement: RFWD3 is on the minus strand). VCF-style: chr16-74630953-C-G. GRCh37 (hg19) VCF-style: chr16-74664851-C-G.
Other names: c.1582G>C, p.Glu528Gln (NM_001370534.1, NM_001370535.1); c.748G>C, p.Glu250Gln (NM_001370537.1, NM_001370539.1, NM_001370540.1 and 3 more transcripts); c.1577+1570G>C (NM_001370536.1); short protein forms E250Q, E528Q.
Identifiers: ClinVar variation 2764731 (VCV002764731.3), dbSNP rs2543950674, ClinGen allele CA396760477.